The following is an entry in ClinVar:

ClinVar aggregate classification (germline): Likely benign (1 of 4 stars; one submission).

Submission:

CeGaT Center for Human Genetics Tuebingen
Classification: Likely benign. Last evaluated: 2026-06-01. Review status: criteria provided, single submitter. Criteria: CeGaT Center For Human Genetics Tuebingen Variant Classification Criteria Version 2. Collection method: clinical testing. Allele origin: germline. Affected: yes. Observed: 1 variant allele.
Comment: FBXW10: BP4, BP7

NM_001267585.2(FBXW10):c.2614T>C (p.Leu872=)

Gene: FBXW10 (F-box and WD repeat domain containing 10; plus strand). Cytogenetic location: 17p11.2.
Variant type: single nucleotide variant.
Coding change: c.2614T>C on transcript NM_001267585.2 (MANE Select); coding-DNA position 2614, T replaced by C.
Protein change: p.Leu872=; no amino-acid change (leucine 872 retained).
Molecular consequence: synonymous variant.
Genome position (GRCh38, 1-based): chr17:18,778,753, T>C. VCF-style: chr17-18778753-T-C. GRCh37 (hg19) VCF-style: chr17-18682066-T-C.
Other names: c.2455T>C, p.Leu819= (NM_001267586.2); c.2641T>C, p.Leu881= (NM_001411059.1).
Identifiers: ClinVar variation 4872482 (VCV004872482.2).
Genomic context (GRCh38, chr17:18,778,753, plus strand): 5'-CCAAGGAAGGTCTTGAATTTCAAAGGAAAATCAATCCAACGTGCAGTTGATCGGTTGAGA[T>C]TGAGCAATCCTCCTATAGATGTGAAACGAACCAGTATTCCCCTTGAAATCCAGAAACTGC-3'
Protein context (NP_001254514.1, residues 862-882): SIQRAVDRLR[Leu872=]SNPPIDVKRT